The following is an entry in ClinVar:

NM_080680.3(COL11A2):c.4501A>T (p.Ile1501Phe)

Gene: COL11A2 (collagen type XI alpha 2 chain; minus strand). Cytogenetic location: 6p21.32.
Variant type: single nucleotide variant.
Coding change: c.4501A>T on transcript NM_080680.3 (MANE Select); coding-DNA position 4501, A replaced by T.
Protein change: p.Ile1501Phe; replaces isoleucine 1501 with phenylalanine.
Molecular consequence: missense variant.
Genome position (GRCh38, 1-based): chr6:33,165,798, T>A on the plus strand (A>T on the coding strand, the complement: COL11A2 is on the minus strand). VCF-style: chr6-33165798-T-A. GRCh37 (hg19) VCF-style: chr6-33133575-T-A.
Other names: c.4321A>T, p.Ile1441Phe (NM_001424108.1); c.3655A>T, p.Ile1219Phe (NM_001424109.1); c.3475A>T, p.Ile1159Phe (NM_001424110.1, NM_001424111.1); c.2455A>T, p.Ile819Phe (NM_001424112.1); c.4180A>T, p.Ile1394Phe (NM_080679.3); c.4243A>T, p.Ile1415Phe (NM_080681.3); short protein forms I1415F, I819F, I1219F, I1394F, I1501F, I1159F, I1441F.
Identifiers: ClinVar variation 3663248 (VCV003663248.2).

ClinVar aggregate classification (germline): Uncertain significance (1 of 4 stars; one submission).

Submission:

Labcorp Genetics (formerly Invitae), Labcorp
Classification: Uncertain significance. Last evaluated: 2025-06-12. Review status: criteria provided, single submitter. Criteria: Invitae Variant Classification Sherloc (09022015). Collection method: clinical testing. Allele origin: germline.
Comment: This sequence change replaces isoleucine, which is neutral and non-polar, with phenylalanine, which is neutral and non-polar, at codon 1501 of the COL11A2 protein (p.Ile1501Phe). This variant is not present in population databases (gnomAD no frequency). This variant has not been reported in the literature in individuals affected with COL11A2-related conditions. ClinVar contains an entry for this variant (Variation ID: 3663248). Invitae Evidence Modeling of protein sequence and biophysical properties (such as structural, functional, and spatial information, amino acid conservation, physicochemical variation, residue mobility, and thermodynamic stability) indicates that this missense variant is not expected to disrupt COL11A2 protein function with a negative predictive value of 95%. In summary, the available evidence is currently insufficient to determine the role of this variant in disease. Therefore, it has been classified as a Variant of Uncertain Significance.